The following is an entry in ClinVar:

ClinVar aggregate classification (germline): Uncertain significance (1 of 4 stars; one submission).

Submission:

GeneDx
Classification: Uncertain significance. Last evaluated: 2025-07-28. Review status: criteria provided, single submitter. Criteria: GeneDx Variant Classification Process June 2021. Collection method: clinical testing. Allele origin: germline. Affected: yes.
Comment: Not observed at significant frequency in large population cohorts (gnomAD); In silico analysis suggests that this missense variant does not alter protein structure/function; Has not been previously published as pathogenic or benign to our knowledge

NM_003745.2(SOCS1):c.395C>G (p.Ala132Gly)

Gene: SOCS1 (suppressor of cytokine signaling 1; minus strand). Cytogenetic location: 16p13.13.
Variant type: single nucleotide variant.
Coding change: c.395C>G on transcript NM_003745.2 (MANE Select); coding-DNA position 395, C replaced by G.
Protein change: p.Ala132Gly; replaces alanine 132 with glycine.
Molecular consequence: missense variant.
Genome position (GRCh38, 1-based): chr16:11,255,084, G>C on the plus strand (C>G on the coding strand, the complement: SOCS1 is on the minus strand). VCF-style: chr16-11255084-G-C. GRCh37 (hg19) VCF-style: chr16-11348941-G-C.
Other names: short protein forms A132G.
Identifiers: ClinVar variation 4689862 (VCV004689862.1).